The following is an entry in ClinVar:

NM_001042492.3(NF1):c.7102G>T (p.Glu2368Ter)

Gene: NF1 (neurofibromin 1; plus strand). Cytogenetic location: 17q11.2.
Variant type: single nucleotide variant.
Coding change: c.7102G>T on transcript NM_001042492.3 (MANE Select); coding-DNA position 7102, G replaced by T.
Protein change: p.Glu2368Ter; replaces glutamic acid 2368 with a stop codon.
Molecular consequence: nonsense.
Genome position (GRCh38, 1-based): chr17:31,343,048, G>T. VCF-style: chr17-31343048-G-T. GRCh37 (hg19) VCF-style: chr17-29670066-G-T.
Other names: c.7039G>T, p.Glu2347Ter (NM_000267.4); short protein forms E2347*, E2368*.
Identifiers: ClinVar variation 3343861 (VCV003343861.1).
Genomic context (GRCh38, chr17:31,343,048, plus strand): 5'-TCTCATGATTATCTTTAATAGAGTCCAGAGGAAGTATTTATGGCAATCCGGAATCCTCTG[G>T]AGTGGCACTGCAAGCAAATGGATCATTTTGTTGGACTCAATTTCAACTCTAACTTTAACT-3'

ClinVar aggregate classification (germline): Pathogenic (1 of 4 stars; one submission).

Submission:

GeneDx
Classification: Pathogenic. Last evaluated: 2023-11-03. Review status: criteria provided, single submitter. Criteria: GeneDx Variant Classification Process June 2021. Collection method: clinical testing. Allele origin: germline. Affected: yes.
Comment: Nonsense variant predicted to result in protein truncation or nonsense mediated decay in a gene for which loss of function is a known mechanism of disease; Not observed at significant frequency in large population cohorts (gnomAD); This variant is associated with the following publications: (PMID: 31776437)